The following is an entry in ClinVar:

ClinVar aggregate classification (germline): Conflicting classifications of pathogenicity. Review status: criteria provided, conflicting classifications (1 of 4 stars). 3 submissions from 3 submitters: Uncertain significance (2); Likely benign (1). Last evaluated 2025-11-24.

Conditions:
Inborn genetic diseases. Identifiers: MedGen C0950123, MeSH D030342.
Developmental and epileptic encephalopathy, 9 (DEE9). Also called: PCDH19-Related X-Linked Female-Limited Epilepsy with Mental Retardation; Early infantile epileptic encephalopathy 9; JUBERG-HELLMAN SYNDROME; EPILEPSY, FEMALE-RESTRICTED, WITH MENTAL RETARDATION. Identifiers: Orphanet 101039, Orphanet 2076, MedGen C1848137, MONDO:0010246, OMIM 300088. Disease mechanism: loss of function.

Allele frequency attached by ClinVar (database versions not stated): ExAC 0.00001; gnomAD 0.00001; gnomAD exomes 0.00001 and 0.00002; TOPMed 0.00003.
gnomAD v4.1: 11 of 1,185,596 alleles (0.00093%); highest among the groups gnomAD compares: Admixed American, 0.0022%; no homozygotes.

Submissions (3):

Labcorp Genetics (formerly Invitae), Labcorp
Classification: Uncertain significance for Developmental and epileptic encephalopathy, 9. Last evaluated: 2025-11-24. Review status: criteria provided, single submitter. Criteria: Invitae Variant Classification Sherloc (09022015). Collection method: clinical testing. Allele origin: germline.
Comment: This sequence change replaces isoleucine, which is neutral and non-polar, with valine, which is neutral and non-polar, at codon 890 of the PCDH19 protein (p.Ile890Val). This variant is present in population databases (rs778668005, gnomAD 0.003%). This variant has not been reported in the literature in individuals affected with PCDH19-related conditions. ClinVar contains an entry for this variant (Variation ID: 206343). Invitae Evidence Modeling of protein sequence and biophysical properties (such as structural, functional, and spatial information, amino acid conservation, physicochemical variation, residue mobility, and thermodynamic stability) indicates that this missense variant is not expected to disrupt PCDH19 protein function with a negative predictive value of 95%. In summary, the available evidence is currently insufficient to determine the role of this variant in disease. Therefore, it has been classified as a Variant of Uncertain Significance.

Ambry Genetics
Classification: Uncertain significance for Inborn genetic diseases. Last evaluated: 2025-03-27. Review status: criteria provided, single submitter. Criteria: Ambry Variant Classification Scheme 2023. Collection method: clinical testing. Allele origin: germline.

GeneDx
Classification: Likely benign. Last evaluated: 2021-04-23. Review status: criteria provided, single submitter. Criteria: GeneDx Variant Classification Process June 2021. Collection method: clinical testing. Allele origin: germline. Affected: yes.

NM_001184880.2(PCDH19):c.2668A>G (p.Ile890Val)

Gene: PCDH19 (protocadherin 19; minus strand). Cytogenetic location: Xq22.1.
Variant type: single nucleotide variant.
Coding change: c.2668A>G on transcript NM_001184880.2 (MANE Select); coding-DNA position 2668, A replaced by G.
Protein change: p.Ile890Val; replaces isoleucine 890 with valine.
Molecular consequence: missense variant.
Genome position (GRCh38, 1-based): chrX:100,350,653, T>C on the plus strand (A>G on the coding strand, the complement: PCDH19 is on the minus strand). VCF-style: chrX-100350653-T-C. GRCh37 (hg19) VCF-style: chrX-99605651-T-C.
Other names: p.I843V:ATC>GTC; c.2527A>G, p.Ile843Val (NM_001105243.2, NM_020766.3); short protein forms I843V, I890V.
Identifiers: ClinVar variation 206343 (VCV000206343.10), dbSNP rs778668005, ClinGen allele CA316381.
Genomic context (GRCh38, chrX:100,350,653, plus strand): 5'-TTTTAATGTTAAATCAAGCTTAGTTGCAGCAATAAGCAAGCAAACCAACATACCTCTTGA[T>C]TAAATGGGCTCGGCTATTCACGTAGTTGGAGTCAAAAGAATAGTTTTCAGTCTGCAATGA-3'
Protein context (NP_001171809.1, residues 880-900): SNYVNSRAHL[Ile890Val]KSSSTFKDLE